The following is an entry in ClinVar:

ClinVar aggregate classification (germline): Pathogenic (1 of 4 stars; one submission).

Conditions:
Developmental and epileptic encephalopathy. Identifiers: MedGen C5779964, MONDO:0100620.

Submission:

Labcorp Genetics (formerly Invitae), Labcorp
Classification: Pathogenic for Early-infantile DEE. Last evaluated: 2020-11-25. Review status: criteria provided, single submitter. Criteria: Invitae Variant Classification Sherloc (09022015). Collection method: clinical testing. Allele origin: germline.
Comment: For these reasons, this variant has been classified as Pathogenic. This variant disrupts the C-terminus of the SCN1A protein. Other variant(s) that disrupt this region (p.Arg1912*) have been determined to be pathogenic (PMID:14738421, 23195492, 20522430, Invitae). This suggests that variants that disrupt this region of the protein are likely to be causative of disease. This variant has not been reported in the literature in individuals with SCN1A-related conditions. This variant is a gross deletion of the genomic region encompassing exon(s) 24-26 of the SCN1A gene. The 5' boundary is likely confined to intron 23. The 3' end of this event is unknown as it extends through the termination codon beyond the assayed region for this gene and may encompass additional genes. While this deletion is not anticipated to lead to nonsense mediated decay, it is expected to alter mRNA translation or result in a truncated protein product.

Literature cited by the submitters: PubMed 14738421; PubMed 23195492; PubMed 20522430.

NC_000002.11:g.(?_166847735)_(166852647_?)del

Gene: SCN1A (sodium voltage-gated channel alpha subunit 1; minus strand). Cytogenetic location: 2q24.3.
Variant type: Deletion.
Identifiers: ClinVar variation 1371759 (VCV001371759.7).